The following is an entry in ClinVar:

ClinVar aggregate classification (germline): Likely benign (0 of 4 stars; one submission).

Conditions:
VPS13B-related disorder. Also called: VPS13B-related condition.

Submission:

PreventionGenetics, part of Exact Sciences
Classification: Likely benign for VPS13B-related condition. Last evaluated: 2023-04-12. Review status: no assertion criteria provided. Collection method: clinical testing. Allele origin: germline.
Comment: This variant is classified as likely benign based on ACMG/AMP sequence variant interpretation guidelines (Richards et al. 2015 PMID: 25741868, with internal and published modifications).

NM_017890.5(VPS13B):c.4200C>A (p.Val1400=)

Gene: VPS13B (vacuolar protein sorting 13 homolog B; plus strand). Cytogenetic location: 8q22.2.
Variant type: single nucleotide variant.
Coding change: c.4200C>A on transcript NM_017890.5 (MANE Plus Clinical); coding-DNA position 4200, C replaced by A.
Protein change: p.Val1400=; no amino-acid change (valine 1400 retained).
Molecular consequence: synonymous variant. On other transcripts: intron variant (1).
Genome position (GRCh38, 1-based): chr8:99,507,812, C>A. VCF-style: chr8-99507812-C-A. GRCh37 (hg19) VCF-style: chr8-100520040-C-A.
Other names: c.4224+609C>A (NM_152564.5).
Identifiers: ClinVar variation 3357167 (VCV003357167.1).
Genomic context (GRCh38, chr8:99,507,812, plus strand): 5'-CCTGTCCATCACTTCAAGCCTTGGGGAAGAGTGTTGGTCTTTGGGGCAATGTGGAGGTGT[C>A]TTCCTTTCCTGTACTGACAAGCTGAACAGACGCACCTTGTTGGTTCGACCCATCAGCAAG-3'
Protein context (NP_060360.3, residues 1390-1410): ECWSLGQCGG[Val1400=]FLSCTDKLNR